The following is an entry in ClinVar:

ClinVar aggregate classification (germline): Uncertain significance (1 of 4 stars; one submission).

Allele frequency attached by ClinVar (database versions not stated): gnomAD 0.00001; gnomAD exomes 0.00004 and 0.00019; TOPMed 0.00006; ExAC 0.00009.
gnomAD v4.1: 59 of 1,614,034 alleles (0.0037%); highest among the groups gnomAD compares: Admixed American, 0.095%; no homozygotes.

Submission:

Labcorp Genetics (formerly Invitae), Labcorp
Classification: Uncertain significance. Last evaluated: 2025-12-08. Review status: criteria provided, single submitter. Criteria: Invitae Variant Classification Sherloc (09022015). Collection method: clinical testing. Allele origin: germline.
Comment: This sequence change falls in intron 7 of the CSGALNACT1 gene. It does not directly change the encoded amino acid sequence of the CSGALNACT1 protein. It affects a nucleotide within the consensus splice site. This variant is present in population databases (rs774215424, gnomAD 0.1%). This variant has not been reported in the literature in individuals affected with CSGALNACT1-related conditions. ClinVar contains an entry for this variant (Variation ID: 1390939). Variants that disrupt the consensus splice site are a relatively common cause of aberrant splicing (PMID: 17576681, 9536098). Algorithms developed to predict the effect of sequence changes on RNA splicing suggest that this variant is not likely to affect RNA splicing. In summary, the available evidence is currently insufficient to determine the role of this variant in disease. Therefore, it has been classified as a Variant of Uncertain Significance.

Literature cited by the submitters: PubMed 17576681; PubMed 9536098.

NM_001354483.2(CSGALNACT1):c.1132+5G>A

Gene: CSGALNACT1 (chondroitin sulfate N-acetylgalactosaminyltransferase 1; minus strand). Cytogenetic location: 8p21.3.
Variant type: single nucleotide variant.
Coding change: c.1132+5G>A on transcript NM_001354483.2 (MANE Select); 5 bases into the intron after coding-DNA position 1132, G replaced by A.
Molecular consequence: intron variant.
Genome position (GRCh38, 1-based): chr8:19,420,335, C>T on the plus strand (G>A on the coding strand, the complement: CSGALNACT1 is on the minus strand). VCF-style: chr8-19420335-C-T. GRCh37 (hg19) VCF-style: chr8-19277846-C-T.
Other names: c.1132+5G>A (NM_001354476.2, NM_001354481.2, NM_001354477.2 and 18 more transcripts).
Identifiers: ClinVar variation 1390939 (VCV001390939.5), dbSNP rs774215424, ClinGen allele CA4653911.